The following is an entry in ClinVar:

ClinVar aggregate classification (germline): Pathogenic/Likely pathogenic. Review status: criteria provided, multiple submitters, no conflicts (2 of 4 stars). 2 submissions from 2 submitters: Pathogenic (1); Likely pathogenic (1). Last evaluated 2023-01-24.

Conditions:
Leukodystrophy. Identifiers: Orphanet 68356, MedGen C0023520, MONDO:0019046, HP:0002415.

Allele frequency attached by ClinVar (database versions not stated): TOPMed below 0.00001; gnomAD 0.00001.

Submissions (2):

Broad Center for Mendelian Genomics, Broad Institute of MIT and Harvard
Classification: Likely pathogenic for Leukodystrophy. Last evaluated: 2023-01-24. Review status: criteria provided, single submitter. Criteria: ACMG Guidelines, 2015. Collection method: curation. Allele origin: germline. Inheritance: Autosomal recessive inheritance.
Comment: The p.Asn1231delinsArgTer variant in POLR3A has not been previously reported in the literature in individuals with hypomyelinating leukodystrophy but has been identified in 0.01% (1/8682) of African/African American chromosomes by the Genome Aggregation Database (gnomAD; dbSNP ID: rs1292401633). Although this variant has been seen in the general population in a heterozygous state, its frequency is low enough to be consistent with a recessive carrier frequency. This variant has also been reported in ClinVar (Variation ID#: 1454335) and has been interpreted as pathogenic by Invitae. This nonsense variant leads to a premature termination codon, which is predicted to lead to a truncated or absent protein. Loss of function of the POLR3A gene is an established disease mechanism in autosomal recessive hypomyelinating leukodystrophy. In summary, although additional studies are required to fully establish its clinical significance, this variant is likely pathogenic for autosomal recessive hypomyelinating leukodystrophy. ACMG/AMP Criteria applied: PVS1, PM2 (Richards 2015).

Labcorp Genetics (formerly Invitae), Labcorp
Classification: Pathogenic. Last evaluated: 2021-02-15. Review status: criteria provided, single submitter. Criteria: Invitae Variant Classification Sherloc (09022015). Collection method: clinical testing. Allele origin: germline.
Comment: This sequence change creates a premature translational stop signal (p.Asn1231Argfs*2) in the POLR3A gene. It is expected to result in an absent or disrupted protein product. Loss-of-function variants in POLR3A are known to be pathogenic (PMID: 21855841, 25339210, 27612211, 30414627, 30450527). For these reasons, this variant has been classified as Pathogenic. This variant has not been reported in the literature in individuals with POLR3A-related conditions. This variant is not present in population databases (ExAC no frequency).

Literature cited by the submitters: PubMed 21855841 (cited by Labcorp Genetics (formerly Invitae), Labcorp); PubMed 25339210 (cited by Labcorp Genetics (formerly Invitae), Labcorp); PubMed 27612211 (cited by Labcorp Genetics (formerly Invitae), Labcorp); PubMed 30414627 (cited by Labcorp Genetics (formerly Invitae), Labcorp); PubMed 30450527 (cited by Labcorp Genetics (formerly Invitae), Labcorp).

NM_007055.4(POLR3A):c.3688_3691dup (p.Asn1231delinsArgTer)

Gene: POLR3A (RNA polymerase III subunit A; minus strand). Cytogenetic location: 10q22.3.
Variant type: Duplication.
Coding change: c.3688_3691dup on transcript NM_007055.4 (MANE Select); coding-DNA positions 3688 to 3691, 4 bases duplicated (GATA; older notation c.3688_3691dupGATA).
Protein change: p.Asn1231delinsArgTer.
Molecular consequence: nonsense.
Genome position (GRCh38, 1-based): chr10:77,982,222-77,982,225, TATC duplicated on the plus strand (GATA on the coding strand, the reverse complement: POLR3A is on the minus strand). VCF-style (leftmost placement, unchanged base first): chr10-77982221-T-TTATC. GRCh37 (hg19) VCF-style: chr10-79741979-T-TTATC.
Other names: NM_007055.4(POLR3A):c.3688_3691dup; p.Asn1231delinsArgTer.
Identifiers: ClinVar variation 1454335 (VCV001454335.6), dbSNP rs1292401633, ClinGen allele CA594710572.